The following is an entry in ClinVar:

NM_004370.6(COL12A1):c.3293C>T (p.Pro1098Leu)

Gene: COL12A1 (collagen type XII alpha 1 chain; minus strand). Cytogenetic location: 6q13.
Variant type: single nucleotide variant.
Coding change: c.3293C>T on transcript NM_004370.6 (MANE Select); coding-DNA position 3293, C replaced by T.
Protein change: p.Pro1098Leu; replaces proline 1098 with leucine.
Molecular consequence: missense variant. On other transcripts: intron variant (2).
Genome position (GRCh38, 1-based): chr6:75,155,812, G>A on the plus strand (C>T on the coding strand, the complement: COL12A1 is on the minus strand). VCF-style: chr6-75155812-G-A. GRCh37 (hg19) VCF-style: chr6-75865528-G-A.
Other names: p.Pro1098Leu; c.3293C>T, p.Pro1098Leu (NM_001424113.1, NM_001424114.1); c.3020C>T, p.Pro1007Leu (NM_001424115.1); c.74-3330C>T (NM_001424116.1, NM_080645.3); short protein forms P1007L, P1098L.
Identifiers: ClinVar variation 4541189 (VCV004541189.1).

ClinVar aggregate classification (germline): Uncertain significance (1 of 4 stars; one submission).

Submission:

Mayo Clinic Laboratories, Mayo Clinic
Classification: Uncertain significance. Last evaluated: 2025-04-16. Review status: criteria provided, single submitter. Criteria: ACMG Guidelines, 2015. Collection method: clinical testing. Allele origin: germline. Observed: 1 variant allele.
Comment: BP4_moderate, PM2_supporting